The following is an entry in ClinVar:

NM_020812.4(DOCK6):c.1328C>G (p.Ala443Gly)

Gene: DOCK6 (dedicator of cytokinesis 6; minus strand). Cytogenetic location: 19p13.2.
Variant type: single nucleotide variant.
Coding change: c.1328C>G on transcript NM_020812.4 (MANE Select); coding-DNA position 1328, C replaced by G.
Protein change: p.Ala443Gly; replaces alanine 443 with glycine.
Molecular consequence: missense variant.
Genome position (GRCh38, 1-based): chr19:11,243,316, G>C on the plus strand (C>G on the coding strand, the complement: DOCK6 is on the minus strand). VCF-style: chr19-11243316-G-C. GRCh37 (hg19) VCF-style: chr19-11353992-G-C.
Other names: c.1328C>G, p.Ala443Gly (NM_001367830.1); c.1328C>G (NM_020812.3); short protein forms A443G.
Identifiers: ClinVar variation 1900410 (VCV001900410.5), dbSNP rs754165446, ClinGen allele CA305341199.
Genomic context (GRCh38, chr19:11,243,316, plus strand): 5'-ACCTGCTTAAAGAAGTTTGTGACAGTTAGCGTGGCTGGACGGAAGCCAGAGAAGCTGCAG[G>C]CGTCGTCCCCACTACTCGCCCGGTCCTGGGGCCCCCGACGGCGGCGGTCTGTCCAGGCTG-3'
Protein context (NP_065863.2, residues 433-453): PQDRASSGDD[Ala443Gly]CSFSGFRPAT

ClinVar aggregate classification (germline): Uncertain significance. Review status: criteria provided, multiple submitters, no conflicts (2 of 4 stars). 2 submissions from 2 submitters: Uncertain significance (2). Last evaluated 2025-03-30.

gnomAD v4.1: 26 of 1,601,230 alleles (0.0016%); highest among the groups gnomAD compares: Admixed American, 0.0052%; no homozygotes.

Submissions (2):

GeneDx
Classification: Uncertain significance. Last evaluated: 2025-03-30. Review status: criteria provided, single submitter. Criteria: GeneDx Variant Classification Process June 2021. Collection method: clinical testing. Allele origin: germline. Affected: yes.
Comment: In silico analysis indicates that this missense variant does not alter protein structure/function; Has not been previously published as pathogenic or benign to our knowledge

Labcorp Genetics (formerly Invitae), Labcorp
Classification: Uncertain significance. Last evaluated: 2023-10-13. Review status: criteria provided, single submitter. Criteria: Invitae Variant Classification Sherloc (09022015). Collection method: clinical testing. Allele origin: germline.
Comment: This sequence change replaces alanine, which is neutral and non-polar, with glycine, which is neutral and non-polar, at codon 443 of the DOCK6 protein (p.Ala443Gly). This variant is present in population databases (no rsID available, gnomAD 0.01%). This variant has not been reported in the literature in individuals affected with DOCK6-related conditions. ClinVar contains an entry for this variant (Variation ID: 1900410). Advanced modeling of protein sequence and biophysical properties (such as structural, functional, and spatial information, amino acid conservation, physicochemical variation, residue mobility, and thermodynamic stability) performed at Invitae indicates that this missense variant is not expected to disrupt DOCK6 protein function. In summary, the available evidence is currently insufficient to determine the role of this variant in disease. Therefore, it has been classified as a Variant of Uncertain Significance.